The following is an entry in ClinVar:

NM_001128431.4(SLC39A14):c.1267T>G (p.Phe423Val)

Gene: SLC39A14 (solute carrier family 39 member 14; plus strand). Cytogenetic location: 8p21.3.
Variant type: single nucleotide variant.
Coding change: c.1267T>G on transcript NM_001128431.4 (MANE Select); coding-DNA position 1267, T replaced by G.
Protein change: p.Phe423Val; replaces phenylalanine 423 with valine.
Molecular consequence: missense variant.
Genome position (GRCh38, 1-based): chr8:22,417,770, T>G. VCF-style: chr8-22417770-T-G. GRCh37 (hg19) VCF-style: chr8-22275283-T-G.
Other names: c.1267T>G, p.Phe423Val (NM_001135153.3, NM_001135154.3, NM_001351655.2 and 3 more transcripts); c.1297T>G, p.Phe433Val (NM_001351657.2, NM_001351658.2, NM_001351659.2); short protein forms F423V, F433V.
Identifiers: ClinVar variation 4981923 (VCV004981923.1).

ClinVar aggregate classification (germline): Uncertain significance (1 of 4 stars; one submission).

Conditions:
SLC39A14-related disorder. Also called: SLC39A14-related condition.

gnomAD v4.1: 1 of 1,614,144 alleles (0.000062%); highest among the groups gnomAD compares: Admixed American, 0.0017%; no homozygotes.

Submission:

PreventionGenetics, part of Exact Sciences
Classification: Uncertain significance for SLC39A14-related condition. Last evaluated: 2026-02-11. Review status: criteria provided, single submitter. Criteria: ACMG Guidelines, 2015. Collection method: clinical testing. Allele origin: germline.
Comment: The SLC39A14 c.1267T>G variant is predicted to result in the amino acid substitution p.Phe423Val. To our knowledge, this variant has not been reported in the literature or in a large population database (gnomAD), indicating this variant is rare. At this time, the clinical significance of this variant is uncertain due to the absence of conclusive functional and genetic evidence.